The following is an entry in ClinVar:

ClinVar aggregate classification (germline): Benign/Likely benign. Review status: criteria provided, multiple submitters, no conflicts (2 of 4 stars). 5 submissions from 5 submitters: Benign (1); Likely benign (4). Last evaluated 2025-07-28.

Conditions:
Lynch syndrome. Identifiers: Orphanet 144, MedGen C4552100, MONDO:0005835. Disease mechanism: loss of function.
Hereditary nonpolyposis colorectal neoplasms. Identifiers: MedGen C0009405, MeSH D003123.
Hereditary cancer-predisposing syndrome. Also called: Tumor predisposition; Hereditary neoplastic syndrome; Hereditary Cancer Syndrome; Neoplastic Syndromes, Hereditary. Identifiers: Orphanet 140162, MedGen C0027672, MeSH D009386, MONDO:0015356.
Lynch syndrome 5 (LYNCH5). Also called: Hereditary non-polyposis colorectal cancer, type 5; Colorectal cancer, hereditary nonpolyposis, type 5. Identifiers: Orphanet 144, MedGen C1833477, MONDO:0013710, OMIM 614350. Disease mechanism: loss of function.

Allele frequency attached by ClinVar (database versions not stated): gnomAD exomes below 0.00001 and 0.00001; TOPMed below 0.00001.

Submissions (5):

Ambry Genetics
Classification: Likely benign for Hereditary cancer-predisposing syndrome. Last evaluated: 2025-07-28. Review status: criteria provided, single submitter. Criteria: Ambry Variant Classification Scheme 2023. Collection method: clinical testing. Allele origin: germline.

Myriad Genetics, Inc.
Classification: Benign for Lynch syndrome 5. Last evaluated: 2024-12-26. Review status: criteria provided, single submitter. Criteria: Myriad Autosomal Dominant, Autosomal Recessive and X-Linked Classification Criteria (2023). Collection method: clinical testing. Allele origin: unknown.
Comment: This variant is considered benign. This variant is a silent/synonymous amino acid change and it is not expected to impact splicing.

Labcorp Genetics (formerly Invitae), Labcorp
Classification: Likely benign for Hereditary nonpolyposis colorectal neoplasms. Last evaluated: 2024-10-22. Review status: criteria provided, single submitter. Criteria: Invitae Variant Classification Sherloc (09022015). Collection method: clinical testing. Allele origin: germline.

All of Us Research Program, National Institutes of Health
Classification: Likely benign for Lynch syndrome. Last evaluated: 2023-12-13. Review status: criteria provided, single submitter. Criteria: ACMG Guidelines, 2015. Collection method: clinical testing. Allele origin: germline. Inheritance: Autosomal dominant inheritance. Observed: 1 variant allele, 1 heterozygote.
Comment: This study involves interpretation of variants in research participants for the purpose of population health screening. Participant phenotype was not available at the time of variant classification. Additional details can be found in publication PMID: 35346344, PMCID: PMC8962531

Color Diagnostics, LLC DBA Color Health
Classification: Likely benign for Hereditary cancer-predisposing syndrome. Last evaluated: 2020-06-22. Review status: criteria provided, single submitter. Criteria: ACMG Guidelines, 2015. Collection method: clinical testing. Allele origin: germline.

NM_000179.3(MSH6):c.1461G>A (p.Glu487=)

Gene: MSH6 (mutS homolog 6; plus strand). Cytogenetic location: 2p16.3.
Variant type: single nucleotide variant.
Coding change: c.1461G>A on transcript NM_000179.3 (MANE Select); coding-DNA position 1461, G replaced by A.
Protein change: p.Glu487=; no amino-acid change (glutamic acid 487 retained).
Molecular consequence: synonymous variant.
Genome position (GRCh38, 1-based): chr2:47,799,444, G>A. VCF-style: chr2-47799444-G-A. GRCh37 (hg19) VCF-style: chr2-48026583-G-A.
Other names: c.1071G>A, p.Glu357= (NM_001281492.2); c.555G>A, p.Glu185= (NM_001281493.2, NM_001281494.2).
Identifiers: ClinVar variation 1171167 (VCV001171167.13), dbSNP rs1174736855, ClinGen allele CA426121080.
Genomic context (GRCh38, chr2:47,799,444, plus strand): 5'-CCGTTATTCAGATTCCCTGGTGCAGAAGGGCTATAAAGTAGCACGAGTGGAACAGACTGA[G>A]ACTCCAGAAATGATGGAGGCACGATGTAGAAAGATGGCACATATATCCAAGTATGATAGA-3'
Protein context (NP_000170.1, residues 477-497): GYKVARVEQT[Glu487=]TPEMMEARCR